The following is an entry in ClinVar:

ClinVar aggregate classification (germline): Uncertain significance (1 of 4 stars; one submission).

Conditions:
Charcot-Marie-Tooth disease type 4. Also called: Charcot-Marie-Tooth, Type 4; Charcot-Marie-Tooth disease, type IV. Identifiers: Orphanet 64749, MedGen C4082197, MONDO:0018995.

Submission:

Labcorp Genetics (formerly Invitae), Labcorp
Classification: Uncertain significance for Charcot-Marie-Tooth disease type 4. Last evaluated: 2022-06-13. Review status: criteria provided, single submitter. Criteria: Invitae Variant Classification Sherloc (09022015). Collection method: clinical testing. Allele origin: germline.
Comment: This variant, c.539_541del, results in the deletion of 1 amino acid(s) of the SH3TC2 protein (p.Phe180del), but otherwise preserves the integrity of the reading frame. This variant is present in population databases (rs763476083, gnomAD 0.009%). This variant has not been reported in the literature in individuals affected with SH3TC2-related conditions. ClinVar contains an entry for this variant (Variation ID: 476909). Experimental studies and prediction algorithms are not available or were not evaluated, and the functional significance of this variant is currently unknown. Algorithms developed to predict the effect of sequence changes on RNA splicing suggest that this variant may disrupt the consensus splice site. In summary, the available evidence is currently insufficient to determine the role of this variant in disease. Therefore, it has been classified as a Variant of Uncertain Significance.

NM_024577.4(SH3TC2):c.536TCT[1] (p.Phe180del)

Gene: SH3TC2 (SH3 domain and tetratricopeptide repeats 2; minus strand). Cytogenetic location: 5q32.
Variant type: Microsatellite.
Coding change: c.536TCT[1] on transcript NM_024577.4 (MANE Select); one copy of the 3-base unit TCT starting at c.536; the reference has two copies in a row; one copy, 3 bases deleted.
Protein change: p.Phe180del; deletes phenylalanine 180.
Molecular consequence: inframe deletion.
Genome position (GRCh38, 1-based): chr5:149,041,606-149,041,608, AGA deleted on the plus strand (TCT on the coding strand, the reverse complement: SH3TC2 is on the minus strand); deleting any 3 consecutive bases within chr5:149,041,606-149,041,613 gives the same sequence; the position shown is the placement nearest the transcript's 3' end. VCF-style (leftmost placement, unchanged base first): chr5-149041605-CAGA-C. GRCh37 (hg19) VCF-style: chr5-148421168-CAGA-C.
Other names: c.539_541delTCT (NM_024577.3); short protein forms F180del.
Identifiers: ClinVar variation 476909 (VCV000476909.7), dbSNP rs763476083, ClinGen allele CA3499468.
Genomic context (GRCh38, chr5:149,041,605, plus strand): 5'-CAAAGTGTCAAGCATTCCCCTTCCTTCTCGGCTGGTGGAGTCACGGAGCACAGGGCTCTG[CAGA>C]AGAAGTGGCCTGTGGATAATGAGAAAAGCAATGGCTTTCTAAGGAGTAGCAGGAAGTGAA-3'